The following is an entry in ClinVar:

ClinVar aggregate classification (germline): Uncertain significance (1 of 4 stars; one submission).

Submission:

Women's Health and Genetics/Laboratory Corporation of America, LabCorp
Classification: Uncertain significance. Last evaluated: 2024-02-06. Review status: criteria provided, single submitter. Criteria: LabCorp Variant Classification Summary - May 2015. Collection method: clinical testing. Allele origin: germline.
Comment: Variant summary: GHR c.665T>C (p.Val222Ala) results in a non-conservative amino acid change located in the Fibronectin type III domain (IPR003961) of the encoded protein sequence. Four of five in-silico tools predict a benign effect of the variant on protein function. The variant was absent in 251376 control chromosomes. The available data on variant occurrences in the general population are insufficient to allow any conclusion about variant significance. To our knowledge, no occurrence of c.665T>C in individuals affected with Growth Hormone Insensitivity and no experimental evidence demonstrating its impact on protein function have been reported. No submitters have cited clinical-significance assessments for this variant to ClinVar. Based on the evidence outlined above, the variant was classified as uncertain significance.

NM_000163.5(GHR):c.665T>C (p.Val222Ala)

Gene: GHR (growth hormone receptor; plus strand). Cytogenetic location: 5p12.
Variant type: single nucleotide variant.
Coding change: c.665T>C on transcript NM_000163.5 (MANE Select); coding-DNA position 665, T replaced by C.
Protein change: p.Val222Ala; replaces valine 222 with alanine.
Molecular consequence: missense variant.
Genome position (GRCh38, 1-based): chr5:42,711,253, T>C. VCF-style: chr5-42711253-T-C. GRCh37 (hg19) VCF-style: chr5-42711355-T-C.
Other names: c.686T>C, p.Val229Ala (NM_001242399.2); c.665T>C, p.Val222Ala (NM_001242400.2, NM_001242401.4, NM_001242402.2 and 5 more transcripts); c.599T>C, p.Val200Ala (NM_001242460.2); short protein forms V200A, V222A, V229A.
Identifiers: ClinVar variation 3068850 (VCV003068850.2), dbSNP rs2530741959, ClinGen allele CA359695879.
Genomic context (GRCh38, chr5:42,711,253, plus strand): 5'-TTTTGTCTTGAAAGATGGACCCTATATTGACAACATCAGTTCCAGTGTACTCATTGAAAG[T>C]GGATAAGGAATATGAAGTGCGTGTGAGATCCAAACAACGAAACTCTGGAAATTATGGCGA-3'
Protein context (NP_000154.1, residues 212-232): TTSVPVYSLK[Val222Ala]DKEYEVRVRS